The following is an entry in ClinVar:

ClinVar aggregate classification (germline): Uncertain significance. Review status: criteria provided, multiple submitters, no conflicts (2 of 4 stars). 2 submissions from 2 submitters: Uncertain significance (2). Last evaluated 2025-07-31.

Conditions:
Early-infantile DEE. Also called: Ohtahara syndrome; Early infantile epileptic encephalopathy; Early infantile epileptic encephalopathy with suppression bursts. Identifiers: Orphanet 1934, MedGen C0393706, MONDO:0800491.

Submissions (2):

GeneDx
Classification: Uncertain significance. Last evaluated: 2025-07-31. Review status: criteria provided, single submitter. Criteria: GeneDx Variant Classification Process June 2021. Collection method: clinical testing. Allele origin: germline. Affected: yes.
Comment: Not observed at significant frequency in large population cohorts (gnomAD); In silico analysis supports that this missense variant has a deleterious effect on protein structure/function; Has not been previously published as pathogenic or benign to our knowledge; This substitution is predicted to be within the cytoplasmic loop between the first and second homologous domains

Labcorp Genetics (formerly Invitae), Labcorp
Classification: Uncertain significance for Early-infantile DEE. Last evaluated: 2021-03-23. Review status: criteria provided, single submitter. Criteria: Invitae Variant Classification Sherloc (09022015). Collection method: clinical testing. Allele origin: germline.
Comment: In summary, the available evidence is currently insufficient to determine the role of this variant in disease. Therefore, it has been classified as a Variant of Uncertain Significance. Advanced modeling of protein sequence and biophysical properties (such as structural, functional, and spatial information, amino acid conservation, physicochemical variation, residue mobility, and thermodynamic stability) performed at Invitae indicates that this missense variant is expected to disrupt SCN1A protein function. This variant has not been reported in the literature in individuals with SCN1A-related conditions. This variant is not present in population databases (ExAC no frequency). This sequence change replaces lysine with asparagine at codon 640 of the SCN1A protein (p.Lys640Asn). The lysine residue is highly conserved and there is a moderate physicochemical difference between lysine and asparagine.

NM_001165963.4(SCN1A):c.1920G>T (p.Lys640Asn)

Gene: SCN1A (sodium voltage-gated channel alpha subunit 1; minus strand). Cytogenetic location: 2q24.3.
Variant type: single nucleotide variant.
Coding change: c.1920G>T on transcript NM_001165963.4 (MANE Select); coding-DNA position 1920, G replaced by T.
Protein change: p.Lys640Asn; replaces lysine 640 with asparagine.
Molecular consequence: missense variant. On other transcripts: 5 prime UTR variant (1), non-coding transcript variant (1).
Genome position (GRCh38, 1-based): chr2:166,043,792, C>A on the plus strand (G>T on the coding strand, the complement: SCN1A is on the minus strand). VCF-style: chr2-166043792-C-A. GRCh37 (hg19) VCF-style: chr2-166900302-C-A.
Other names: c.1920G>T, p.Lys640Asn (NM_001165964.3, NM_001202435.3, NM_001353948.2 and 7 more transcripts); c.1917G>T, p.Lys639Asn (NM_001353954.2, NM_001353955.2, NM_001353960.2); c.-506G>T (NM_001353961.2); c.1920G>T (NM_001165963.1); short protein forms K639N, K640N.
Identifiers: ClinVar variation 1025352 (VCV001025352.10), dbSNP rs1697434336, ClinGen allele CA349067291.